The following is an entry in ClinVar:

ClinVar aggregate classification (germline): Uncertain significance (1 of 4 stars; one submission).

Allele frequency attached by ClinVar (database versions not stated): gnomAD exomes below 0.00001; TOPMed below 0.00001.
gnomAD v4.1: 1 of 1,614,240 alleles (0.000062%); highest among the groups gnomAD compares: Non-Finnish European, 0.000085%; no homozygotes.

Submission:

GeneDx
Classification: Uncertain significance. Last evaluated: 2023-02-01. Review status: criteria provided, single submitter. Criteria: GeneDx Variant Classification Process June 2021. Collection method: clinical testing. Allele origin: germline. Affected: yes.
Comment: Not observed at significant frequency in large population cohorts (gnomAD); In silico analysis supports that this missense variant has a deleterious effect on protein structure/function; Has not been previously published as pathogenic or benign to our knowledge

NM_001111.5(ADAR):c.2771A>G (p.Tyr924Cys)

Gene: ADAR (adenosine deaminase RNA specific; minus strand). Cytogenetic location: 1q21.3.
Variant type: single nucleotide variant.
Coding change: c.2771A>G on transcript NM_001111.5 (MANE Select); coding-DNA position 2771, A replaced by G.
Protein change: p.Tyr924Cys; replaces tyrosine 924 with cysteine.
Molecular consequence: missense variant.
Genome position (GRCh38, 1-based): chr1:154,588,665, T>C on the plus strand (A>G on the coding strand, the complement: ADAR is on the minus strand). VCF-style: chr1-154588665-T-C. GRCh37 (hg19) VCF-style: chr1-154561141-T-C.
Other names: c.1886A>G, p.Tyr629Cys (NM_001025107.3, NM_001193495.2, NM_001365046.1 and 2 more transcripts); c.2798A>G, p.Tyr933Cys (NM_001365045.1); c.1808A>G, p.Tyr603Cys (NM_001365049.1); c.2693A>G, p.Tyr898Cys (NM_015840.4); c.2636A>G, p.Tyr879Cys (NM_015841.4); short protein forms Y603C, Y629C, Y879C, Y898C, Y924C, Y933C.
Identifiers: ClinVar variation 2574985 (VCV002574985.1), dbSNP rs1239118427, ClinGen allele CA342636490.
Genomic context (GRCh38, chr1:154,588,665, plus strand): 5'-TTAGCAGGTTCAAATATACTATCCTTCGCAGTCTGGGAGTTGTATTTCATTAACTCACTG[T>C]AGAGAAACCTACAAAAAGAAAGTCTGGTTAGGAAGGCAGGTTCAATTCTGGGAAAAGCAG-3'
Protein context (NP_001102.3, residues 914-934): ISRRGFIRFL[Tyr924Cys]SELMKYNSQT